The following is an entry in ClinVar:

ClinVar aggregate classification (germline): Benign. Review status: criteria provided, single submitter (1 of 4 stars). 2 submissions from 2 submitters: Benign (1). 1 of the submissions does not count toward it. Last evaluated 2022-04-01.

Conditions:
ANK2-related disorder. Also called: ANK2-related condition.

Allele frequency attached by ClinVar (database versions not stated): gnomAD exomes 0.00025; TOPMed 0.00053; gnomAD 0.00074; ExAC 0.00241; 1000 Genomes Project 30x 0.00297; 1000 Genomes Project 0.00300.
gnomAD v4.1: 405 of 1,230,874 alleles (0.033%); highest among the groups gnomAD compares: East Asian, 1.6%; 6 homozygotes.

Submissions (2):

CeGaT Center for Human Genetics Tuebingen
Classification: Benign. Last evaluated: 2022-04-01. Review status: criteria provided, single submitter. Criteria: CeGaT Center For Human Genetics Tuebingen Variant Classification Criteria Version 2. Collection method: clinical testing. Allele origin: germline. Affected: yes. Observed: 1 variant allele.
Comment: ANK2: BS1, BS2

PreventionGenetics, part of Exact Sciences
Classification: Likely benign for ANK2-related condition. Last evaluated: 2024-08-27. Review status: no assertion criteria provided. Collection method: clinical testing. Allele origin: germline. Not counted in ClinVar's aggregate classification.
Comment: This variant is classified as likely benign based on ACMG/AMP sequence variant interpretation guidelines (Richards et al. 2015 PMID: 25741868, with internal and published modifications).

NM_001148.6(ANK2):c.11859+1463C>T

Gene: ANK2 (ankyrin 2; plus strand). Cytogenetic location: 4q26.
Variant type: single nucleotide variant.
Coding change: c.11859+1463C>T on transcript NM_001148.6 (MANE Select); 1463 bases into the intron after coding-DNA position 11859, C replaced by T.
Molecular consequence: intron variant. On other transcripts: missense variant (20).
Genome position (GRCh38, 1-based): chr4:113,374,912, C>T. VCF-style: chr4-113374912-C-T. GRCh37 (hg19) VCF-style: chr4-114296068-C-T.
Other names: c.5634+1463C>T (NM_001354243.2); c.5541+1463C>T (NM_001354255.2); c.5442+1463C>T (NM_001354262.2); c.5277+1739C>T (NM_001354275.2); c.5379+1463C>T (NM_001354270.2); c.5418+1463C>T (NM_001354266.2, NM_001354267.2); c.5253+1739C>T (NM_001354276.2, NM_001386162.1); c.5478+1463C>T (NM_001386150.1); and 61 more; short protein forms T1094I, T1823I, T1831I, T1843I, T1845I, T1856I, T1860I, T1864I.
Identifiers: ClinVar variation 2655045 (VCV002655045.24), dbSNP rs117329245, ClinGen allele CA3052425.